The following is an entry in ClinVar:

NM_000256.3(MYBPC3):c.853G>A (p.Asp285Asn)

Gene: MYBPC3 (myosin binding protein C3; minus strand). Cytogenetic location: 11p11.2.
Variant type: single nucleotide variant.
Coding change: c.853G>A on transcript NM_000256.3 (MANE Select); coding-DNA position 853, G replaced by A.
Protein change: p.Asp285Asn; replaces aspartic acid 285 with asparagine.
Molecular consequence: missense variant.
Genome position (GRCh38, 1-based): chr11:47,347,478, C>T on the plus strand (G>A on the coding strand, the complement: MYBPC3 is on the minus strand). VCF-style: chr11-47347478-C-T. GRCh37 (hg19) VCF-style: chr11-47369029-C-T.
Other names: short protein forms D285N.
Identifiers: ClinVar variation 178898 (VCV000178898.4), dbSNP rs727504523, ClinGen allele CA015989.
Genomic context (GRCh38, chr11:47,347,478, plus strand): 5'-GGACTCACCTCTTTTTCAGCAGTGAGCTGAAGTCCAGAATCCCAGTGTCCTCATGGCTAT[C>T]ACTATGGAGAGGGACCCCCAGTGAGGCTGCAGTGAGGGACTGGAAAGGGATTAGGAGCAG-3'
Protein context (NP_000247.2, residues 275-295): SLAGGGRRIS[Asp285Asn]SHEDTGILDF

ClinVar aggregate classification (germline): Uncertain significance (1 of 4 stars; one submission).

Submission:

Laboratory for Molecular Medicine, Mass General Brigham Personalized Medicine
Classification: Uncertain significance. Last evaluated: 2013-04-12. Review status: criteria provided, single submitter. Criteria: LMM Criteria. Collection method: clinical testing. Allele origin: germline. Observed: 1 variant allele.
Comment: The Asp285Asn variant in MYBPC3 has not been reported in individuals with cardio myopathy. Data from large population studies is insufficient to assess the frequ ency of this variant. Computational analyses (biochemical amino acid properties, conservation, AlignGVGD, PolyPhen2, and SIFT) do not provide strong support for or against an impact to the protein. At this time, additional information is ne eded to fully assess the clinical significance of this variant.